The following is an entry in ClinVar:

ClinVar aggregate classification (germline): Uncertain significance (1 of 4 stars; one submission).

Submission:

GeneDx
Classification: Uncertain significance. Last evaluated: 2023-03-07. Review status: criteria provided, single submitter. Criteria: GeneDx Variant Classification Process June 2021. Collection method: clinical testing. Allele origin: germline. Affected: yes.
Comment: Not observed at significant frequency in large population cohorts (gnomAD); In silico analysis supports that this missense variant does not alter protein structure/function; Has not been previously published as pathogenic or benign to our knowledge

NM_001081550.2(THOC2):c.4169C>T (p.Ser1390Phe)

Gene: THOC2 (THO complex subunit 2; minus strand). Cytogenetic location: Xq25.
Variant type: single nucleotide variant.
Coding change: c.4169C>T on transcript NM_001081550.2 (MANE Select); coding-DNA position 4169, C replaced by T.
Protein change: p.Ser1390Phe; replaces serine 1390 with phenylalanine.
Molecular consequence: missense variant.
Genome position (GRCh38, 1-based): chrX:123,621,204, G>A on the plus strand (C>T on the coding strand, the complement: THOC2 is on the minus strand). VCF-style: chrX-123621204-G-A. GRCh37 (hg19) VCF-style: chrX-122755055-G-A.
Other names: short protein forms S1390F.
Identifiers: ClinVar variation 2579444 (VCV002579444.1), dbSNP rs1222842994, ClinGen allele CA414262362.